The following is an entry in ClinVar:

NM_000179.3(MSH6):c.3503C>A (p.Thr1168Lys)

Gene: MSH6 (mutS homolog 6; plus strand). Cytogenetic location: 2p16.3.
Variant type: single nucleotide variant.
Coding change: c.3503C>A on transcript NM_000179.3 (MANE Select); coding-DNA position 3503, C replaced by A.
Protein change: p.Thr1168Lys; replaces threonine 1168 with lysine.
Molecular consequence: missense variant.
Genome position (GRCh38, 1-based): chr2:47,804,974, C>A. VCF-style: chr2-47804974-C-A. GRCh37 (hg19) VCF-style: chr2-48032113-C-A.
Other names: c.3113C>A, p.Thr1038Lys (NM_001281492.2); c.2597C>A, p.Thr866Lys (NM_001281493.2, NM_001281494.2, NM_001406811.1 and 6 more transcripts); c.3599C>A, p.Thr1200Lys (NM_001406795.1, NM_001406802.1); c.3503C>A, p.Thr1168Lys (NM_001406796.1, NM_001406809.1, NM_001406800.1 and 1 more transcripts); c.3206C>A, p.Thr1069Lys (NM_001406797.1, NM_001406818.1, NM_001406830.1 and 10 more transcripts); c.3329C>A, p.Thr1110Lys (NM_001406798.1); c.3509C>A, p.Thr1170Lys (NM_001406813.1); c.1937C>A, p.Thr646Lys (NM_001406817.1); and 7 more; short protein forms T1142K, T866K, T1112K, T483K, T646K, T993K, T1038K, T1168K.
Identifiers: ClinVar variation 2128753 (VCV002128753.4), dbSNP rs1669873005, ClinGen allele CA346760175.

ClinVar aggregate classification (germline): Uncertain significance (1 of 4 stars; one submission).

Conditions:
Hereditary nonpolyposis colorectal neoplasms. Identifiers: MedGen C0009405, MeSH D003123.

Submission:

Labcorp Genetics (formerly Invitae), Labcorp
Classification: Uncertain significance for Hereditary nonpolyposis colorectal neoplasms. Last evaluated: 2022-04-21. Review status: criteria provided, single submitter. Criteria: Invitae Variant Classification Sherloc (09022015). Collection method: clinical testing. Allele origin: germline.
Comment: This sequence change replaces threonine, which is neutral and polar, with lysine, which is basic and polar, at codon 1168 of the MSH6 protein (p.Thr1168Lys). In summary, the available evidence is currently insufficient to determine the role of this variant in disease. Therefore, it has been classified as a Variant of Uncertain Significance. Advanced modeling of protein sequence and biophysical properties (such as structural, functional, and spatial information, amino acid conservation, physicochemical variation, residue mobility, and thermodynamic stability) performed at Invitae indicates that this missense variant is expected to disrupt MSH6 protein function. This variant has not been reported in the literature in individuals affected with MSH6-related conditions. This variant is not present in population databases (gnomAD no frequency).